The following is an entry in ClinVar:

ClinVar aggregate classification (germline): Uncertain significance (1 of 4 stars; one submission).

Submission:

Labcorp Genetics (formerly Invitae), Labcorp
Classification: Uncertain significance. Last evaluated: 2025-05-20. Review status: criteria provided, single submitter. Criteria: Invitae Variant Classification Sherloc (09022015). Collection method: clinical testing. Allele origin: germline.
Comment: This sequence change replaces glycine, which is neutral and non-polar, with arginine, which is basic and polar, at codon 295 of the ANK1 protein (p.Gly295Arg). This variant is not present in population databases (gnomAD no frequency). This variant has not been reported in the literature in individuals affected with ANK1-related conditions. Invitae Evidence Modeling of protein sequence and biophysical properties (such as structural, functional, and spatial information, amino acid conservation, physicochemical variation, residue mobility, and thermodynamic stability) indicates that this missense variant is not expected to disrupt ANK1 protein function with a negative predictive value of 80%. In summary, the available evidence is currently insufficient to determine the role of this variant in disease. Therefore, it has been classified as a Variant of Uncertain Significance.

NM_000037.4(ANK1):c.883G>C (p.Gly295Arg)

Gene: ANK1 (ankyrin 1; minus strand). Cytogenetic location: 8p11.21.
Variant type: single nucleotide variant.
Coding change: c.883G>C on transcript NM_000037.4 (MANE Select); coding-DNA position 883, G replaced by C.
Protein change: p.Gly295Arg; replaces glycine 295 with arginine.
Molecular consequence: missense variant.
Genome position (GRCh38, 1-based): chr8:41,723,151, C>G on the plus strand (G>C on the coding strand, the complement: ANK1 is on the minus strand). VCF-style: chr8-41723151-C-G. GRCh37 (hg19) VCF-style: chr8-41580669-C-G.
Other names: c.982G>C, p.Gly328Arg (NM_001142446.2); c.883G>C, p.Gly295Arg (NM_020475.3, NM_020476.3, NM_020477.3); short protein forms G295R, G328R.
Identifiers: ClinVar variation 4740780 (VCV004740780.1).
Genomic context (GRCh38, chr8:41,723,151, plus strand): 5'-TAGAAAATGCGCCTGACAGGAAGGAAGTACACACCTTGGTTTTGGCTTGGATTGGTGCCC[C>G]GTGGTCCAGCAGGATCTCTGAGATTCGCACGTGCCCATTTCGAGCTGCACAGTGGAGAGG-3'
Protein context (NP_000028.3, residues 285-305): VRISEILLDH[Gly295Arg]APIQAKTKNG